The following is an entry in ClinVar:

ClinVar aggregate classification (germline): Uncertain significance. Review status: criteria provided, multiple submitters, no conflicts (2 of 4 stars). 2 submissions from 2 submitters: Uncertain significance (2). Last evaluated 2024-06-06.

Conditions:
Hereditary cancer-predisposing syndrome. Also called: Neoplastic Syndromes, Hereditary; Tumor predisposition; Hereditary neoplastic syndrome; Hereditary Cancer Syndrome. Identifiers: Orphanet 140162, MedGen C0027672, MeSH D009386, MONDO:0015356.
Familial cancer of breast. Also called: BREAST CANCER, FAMILIAL; Hereditary breast cancer; hereditary breast carcinoma. Identifiers: Orphanet 227535, MedGen C0346153, MONDO:0016419, OMIM 114480. Disease mechanism: loss of function.

Allele frequency attached by ClinVar (database versions not stated): gnomAD exomes below 0.00001; TOPMed below 0.00001; gnomAD 0.00001.
gnomAD v4.1: 2 of 1,613,476 alleles (0.00012%); highest among the groups gnomAD compares: Admixed American, 0.0017%; no homozygotes.

Submissions (2):

Labcorp Genetics (formerly Invitae), Labcorp
Classification: Uncertain significance for Familial cancer of breast. Last evaluated: 2024-06-06. Review status: criteria provided, single submitter. Criteria: Invitae Variant Classification Sherloc (09022015). Collection method: clinical testing. Allele origin: germline.
Comment: This sequence change replaces lysine, which is basic and polar, with glutamine, which is neutral and polar, at codon 349 of the CHEK2 protein (p.Lys349Gln). This variant is not present in population databases (gnomAD no frequency). This variant has not been reported in the literature in individuals affected with CHEK2-related conditions. An algorithm developed to predict the effect of missense changes on protein structure and function (PolyPhen-2) suggests that this variant is likely to be disruptive. In summary, the available evidence is currently insufficient to determine the role of this variant in disease. Therefore, it has been classified as a Variant of Uncertain Significance.

Ambry Genetics
Classification: Uncertain significance for Hereditary cancer-predisposing syndrome. Last evaluated: 2024-02-16. Review status: criteria provided, single submitter. Criteria: Ambry Variant Classification Scheme 2023. Collection method: clinical testing. Allele origin: germline.
Comment: The p.K349Q variant (also known as c.1045A>C), located in coding exon 9 of the CHEK2 gene, results from an A to C substitution at nucleotide position 1045. The lysine at codon 349 is replaced by glutamine, an amino acid with similar properties. This amino acid position is conserved. In addition, this alteration is predicted to be deleterious by in silico analysis. Based on the available evidence, the clinical significance of this alteration remains unclear.

NM_007194.4(CHEK2):c.1045A>C (p.Lys349Gln)

Gene: CHEK2 (checkpoint kinase 2; minus strand). Cytogenetic location: 22q12.1.
Variant type: single nucleotide variant.
Coding change: c.1045A>C on transcript NM_007194.4 (MANE Select); coding-DNA position 1045, A replaced by C.
Protein change: p.Lys349Gln; replaces lysine 349 with glutamine.
Molecular consequence: missense variant. On other transcripts: intron variant (3).
Genome position (GRCh38, 1-based): chr22:28,696,951, T>G on the plus strand (A>C on the coding strand, the complement: CHEK2 is on the minus strand). VCF-style: chr22-28696951-T-G. GRCh37 (hg19) VCF-style: chr22-29092939-T-G.
Other names: c.1174A>C, p.Lys392Gln (NM_001005735.3); c.382A>C, p.Lys128Gln (NM_001257387.3, NM_001437942.1); c.844A>C, p.Lys282Gln (NM_001349956.3); c.1138A>C, p.Lys380Gln (NM_001438293.1); c.1009-1078A>C (NM_145862.3); c.1102-1078A>C (NM_001438295.1); c.1138-1078A>C (NM_001438294.1); short protein forms K128Q, K282Q, K349Q, K392Q, K380Q.
Identifiers: ClinVar variation 3226013 (VCV003226013.3), dbSNP rs730881689, ClinGen allele CA411097700.
Genomic context (GRCh38, chr22:28,696,951, plus strand): 5'-AATTTCTTACCTTTATAAGACAGTCCTCTTCTTGAGATGACAGTAAAACATTCTCTGGCT[T>G]TAAGTCACGGTGTATAATACCGTTTTCATGAAGGTACTACACAGAAAGGCAGGCATGACC-3'
Protein context (NP_009125.1, residues 339-359): HENGIIHRDL[Lys349Gln]PENVLLSSQE